The following is an entry in ClinVar:

NM_000027.4(AGA):c.941-84C>G

Gene: AGA (aspartylglucosaminidase; minus strand). Cytogenetic location: 4q34.3.
Variant type: single nucleotide variant.
Coding change: c.941-84C>G on transcript NM_000027.4 (MANE Select); 84 bases into the intron before coding-DNA position 941, C replaced by G.
Molecular consequence: intron variant.
Genome position (GRCh38, 1-based): chr4:177,431,892, G>C on the plus strand (C>G on the coding strand, the complement: AGA is on the minus strand). VCF-style: chr4-177431892-G-C. GRCh37 (hg19) VCF-style: chr4-178353046-G-C.
Other names: c.911-84C>G (NM_001171988.2).
Identifiers: ClinVar variation 683254 (VCV000683254.5), dbSNP rs3805167, ClinGen allele CA15328252.
Genomic context (GRCh38, chr4:177,431,892, plus strand): 5'-GTTTGGTGAACTATAGGATGCACATATTTATAACCAATACAGATACTGCTTATTTGACTA[G>C]ACACTGGCTACTGTATACCTTATGTCTAAGCCACATGGAAATACACTAGTGTCATCCTCC-3'

ClinVar aggregate classification (germline): Benign. Review status: criteria provided, multiple submitters, no conflicts (2 of 4 stars). 3 submissions from 3 submitters: Benign (3). Last evaluated 2021-07-10.

Conditions:
Aspartylglucosaminuria (AGU). Also called: AGA DEFICIENCY; Aspartylglucos-aminuria; Aspartylglucos-amidase (AGA) deficiency; GLYCOASPARAGINASE; GLYCOSYLASPARAGINASE DEFICIENCY. Identifiers: Orphanet 93, MedGen C0268225, MONDO:0008830, OMIM 208400, HP:0012068.

Allele frequency attached by ClinVar (database versions not stated): 1000 Genomes Project 30x 0.59369; 1000 Genomes Project 0.60403; TOPMed 0.61198; gnomAD 0.65485.
gnomAD v4.1: 846,061 of 1,105,694 alleles (77%); highest among the groups gnomAD compares: Non-Finnish European, 82%; 334,044 homozygotes.

Submissions (3):

Genome-Nilou Lab
Classification: Benign for Aspartylglucosaminuria. Last evaluated: 2021-07-10. Review status: criteria provided, single submitter. Criteria: ACMG Guidelines, 2015. Collection method: clinical testing. Allele origin: germline. Affected: no.

GeneDx
Classification: Benign. Last evaluated: 2018-06-19. Review status: criteria provided, single submitter. Criteria: GeneDx Variant Classification (06012015). Collection method: clinical testing. Allele origin: germline. Affected: yes.
Comment: This variant is considered likely benign or benign based on one or more of the following criteria: it is a conservative change, it occurs at a poorly conserved position in the protein, it is predicted to be benign by multiple in silico algorithms, and/or has population frequency not consistent with disease.

Breakthrough Genomics
Classification: Benign. Review status: criteria provided, single submitter. Criteria: ACMG Guidelines, 2015. Collection method: not provided. Allele origin: germline. Inheritance: Autosomal recessive inheritance. Affected: yes.